The following is an entry in ClinVar:

NM_001130969.3(NSMF):c.1223T>A (p.Leu408Gln)

Gene: NSMF (NMDA receptor synaptonuclear signaling and neuronal migration factor; minus strand). Cytogenetic location: 9q34.3.
Variant type: single nucleotide variant.
Coding change: c.1223T>A on transcript NM_001130969.3 (MANE Select); coding-DNA position 1223, T replaced by A.
Protein change: p.Leu408Gln; replaces leucine 408 with glutamine.
Molecular consequence: missense variant.
Genome position (GRCh38, 1-based): chr9:137,452,378, A>T on the plus strand (T>A on the coding strand, the complement: NSMF is on the minus strand). VCF-style: chr9-137452378-A-T. GRCh37 (hg19) VCF-style: chr9-140346830-A-T.
Other names: c.1154T>A, p.Leu385Gln (NM_001130970.2); c.1148T>A, p.Leu383Gln (NM_001130971.2); c.1133T>A, p.Leu378Gln (NM_001178064.2); c.1217T>A, p.Leu406Gln (NM_015537.5); short protein forms L383Q, L385Q, L378Q, L406Q, L408Q.
Identifiers: ClinVar variation 4746794 (VCV004746794.1).

ClinVar aggregate classification (germline): Uncertain significance (1 of 4 stars; one submission).

Submission:

Labcorp Genetics (formerly Invitae), Labcorp
Classification: Uncertain significance. Last evaluated: 2025-04-17. Review status: criteria provided, single submitter. Criteria: Invitae Variant Classification Sherloc (09022015). Collection method: clinical testing. Allele origin: germline.
Comment: This sequence change replaces leucine, which is neutral and non-polar, with glutamine, which is neutral and polar, at codon 406 of the NSMF protein (p.Leu406Gln). This variant is not present in population databases (gnomAD no frequency). This variant has not been reported in the literature in individuals affected with NSMF-related conditions. Invitae Evidence Modeling of protein sequence and biophysical properties (such as structural, functional, and spatial information, amino acid conservation, physicochemical variation, residue mobility, and thermodynamic stability) indicates that this missense variant is not expected to disrupt NSMF protein function with a negative predictive value of 80%. In summary, the available evidence is currently insufficient to determine the role of this variant in disease. Therefore, it has been classified as a Variant of Uncertain Significance.